The following is an entry in ClinVar:

NM_001369268.1(ACAN):c.1435G>A (p.Val479Ile)

Gene: ACAN (aggrecan; plus strand). Cytogenetic location: 15q26.1.
Variant type: single nucleotide variant.
Coding change: c.1435G>A on transcript NM_001369268.1 (MANE Select); coding-DNA position 1435, G replaced by A.
Protein change: p.Val479Ile; replaces valine 479 with isoleucine.
Molecular consequence: missense variant.
Genome position (GRCh38, 1-based): chr15:88,847,248, G>A. VCF-style: chr15-88847248-G-A. GRCh37 (hg19) VCF-style: chr15-89390479-G-A.
Other names: c.1435G>A (NM_013227.3); c.1435G>A, p.Val479Ile (NM_001135.4, NM_013227.4); short protein forms V479I.
Identifiers: ClinVar variation 807301 (VCV000807301.47), dbSNP rs369608360, ClinGen allele CA7719557.

ClinVar aggregate classification (germline): Uncertain significance. Review status: criteria provided, multiple submitters, no conflicts (2 of 4 stars). 4 submissions from 4 submitters: Uncertain significance (4). Last evaluated 2026-04-28.

Conditions:
Inborn genetic diseases. Identifiers: MedGen C0950123, MeSH D030342.

Allele frequency attached by ClinVar (database versions not stated): gnomAD exomes 0.00003 and 0.00006; ExAC 0.00005; gnomAD 0.00006; TOPMed 0.00006; ESP Exome Variant Server 0.00008; 1000 Genomes Project 0.00020; 1000 Genomes Project 30x 0.00031.
gnomAD v4.1: 54 of 1,545,292 alleles (0.0035%); highest among the groups gnomAD compares: East Asian, 0.029%; no homozygotes.

Submissions (4):

Women's Health and Genetics/Laboratory Corporation of America, LabCorp
Classification: Uncertain significance. Last evaluated: 2026-04-28. Review status: criteria provided, single submitter. Criteria: LabCorp Variant Classification Summary - May 2015. Collection method: clinical testing. Allele origin: germline.
Comment: Variant summary: ACAN c.1435G>A (p.Val479Ile) results in a conservative amino acid change in the encoded protein sequence. Algorithms developed to predict the effect of missense changes on protein structure and function are either unavailable or do not agree on the potential impact of this missense change. The variant allele was found at a frequency of 6.3e-05 in 159546 control chromosomes. This frequency is not significantly higher than estimated for disease-causing variants in ACAN, allowing no conclusion about variant significance. To our knowledge, no occurrence of c.1435G>A in individuals affected with ACAN-related conditions and no experimental evidence demonstrating its impact on protein function have been reported. ClinVar contains an entry for this variant (Variation ID: 807301). Based on the evidence outlined above, the variant was classified as uncertain significance.

Labcorp Genetics (formerly Invitae), Labcorp
Classification: Uncertain significance. Last evaluated: 2026-01-26. Review status: criteria provided, single submitter. Criteria: Invitae Variant Classification Sherloc (09022015). Collection method: clinical testing. Allele origin: germline.
Comment: This sequence change replaces valine, which is neutral and non-polar, with isoleucine, which is neutral and non-polar, at codon 479 of the ACAN protein (p.Val479Ile). The frequency data for this variant in the population databases is considered unreliable, as metrics indicate poor data quality at this position in the gnomAD database. This variant has not been reported in the literature in individuals affected with ACAN-related conditions. ClinVar contains an entry for this variant (Variation ID: 807301). Invitae Evidence Modeling of protein sequence and biophysical properties (such as structural, functional, and spatial information, amino acid conservation, physicochemical variation, residue mobility, and thermodynamic stability) indicates that this missense variant is not expected to disrupt ACAN protein function with a negative predictive value of 80%. In summary, the available evidence is currently insufficient to determine the role of this variant in disease. Therefore, it has been classified as a Variant of Uncertain Significance.

Ambry Genetics
Classification: Uncertain significance for Inborn genetic diseases. Last evaluated: 2025-10-17. Review status: criteria provided, single submitter. Criteria: Ambry Variant Classification Scheme 2023. Collection method: clinical testing. Allele origin: germline.

CeGaT Center for Human Genetics Tuebingen
Classification: Uncertain significance. Last evaluated: 2019-03-01. Review status: criteria provided, single submitter. Criteria: CeGaT Center For Human Genetics Tuebingen Variant Classification Criteria Version 2. Collection method: clinical testing. Allele origin: germline. Affected: yes. Observed: 3 variant alleles.